The following is an entry in ClinVar:

NM_004360.5(CDH1):c.1137+8T>C

Gene: CDH1 (cadherin 1; plus strand). Cytogenetic location: 16q22.1.
Variant type: single nucleotide variant.
Coding change: c.1137+8T>C on transcript NM_004360.5 (MANE Select); 8 bases into the intron after coding-DNA position 1137, T replaced by C.
Molecular consequence: intron variant.
Genome position (GRCh38, 1-based): chr16:68,812,271, T>C. VCF-style: chr16-68812271-T-C. GRCh37 (hg19) VCF-style: chr16-68846174-T-C.
Other names: c.-479+8T>C (NM_001317185.2); c.-683+8T>C (NM_001317186.2); c.1137+8T>C (NM_001317184.2).
Identifiers: ClinVar variation 1114866 (VCV001114866.10), dbSNP rs2152132731, ClinGen allele CA2499223655.

ClinVar aggregate classification (germline): Likely benign. Review status: criteria provided, multiple submitters, no conflicts (2 of 4 stars). 2 submissions from 2 submitters: Likely benign (2). Last evaluated 2024-09-18.

Conditions:
Hereditary diffuse gastric adenocarcinoma (HDGC). Also called: DIFFUSE GASTRIC AND LOBULAR BREAST CANCER SYNDROME. Identifiers: Orphanet 26106, MedGen C1708349, MONDO:0007648, OMIM 137215.

Submissions (2):

Myriad Genetics, Inc.
Classification: Likely benign for Hereditary diffuse gastric adenocarcinoma. Last evaluated: 2024-09-18. Review status: criteria provided, single submitter. Criteria: Myriad Autosomal Dominant, Autosomal Recessive and X-Linked Classification Criteria (2023). Collection method: clinical testing. Allele origin: unknown.
Comment: This variant is considered likely benign. This variant is intronic and is not expected to impact mRNA splicing.

Labcorp Genetics (formerly Invitae), Labcorp
Classification: Likely benign for Hereditary diffuse gastric adenocarcinoma. Last evaluated: 2022-06-21. Review status: criteria provided, single submitter. Criteria: Invitae Variant Classification Sherloc (09022015). Collection method: clinical testing. Allele origin: germline.